The following is an entry in ClinVar:

ClinVar aggregate classification (germline): Uncertain significance (1 of 4 stars; one submission).

Conditions:
Inborn genetic diseases. Identifiers: MedGen C0950123, MeSH D030342.

gnomAD v4.1: 4 of 1,614,072 alleles (0.00025%); highest among the groups gnomAD compares: South Asian, 0.0033%; no homozygotes.

Submission:

Ambry Genetics
Classification: Uncertain significance for Inborn genetic diseases. Last evaluated: 2025-02-22. Review status: criteria provided, single submitter. Criteria: Ambry Variant Classification Scheme 2023. Collection method: clinical testing. Allele origin: germline.
Comment: The p.S524Y variant (also known as c.1571C>A), located in coding exon 17 of the FANCA gene, results from a C to A substitution at nucleotide position 1571. The serine at codon 524 is replaced by tyrosine, an amino acid with dissimilar properties. This amino acid position is conserved. In addition, the in silico prediction for this alteration is inconclusive. Based on the available evidence, the clinical significance of this variant remains unclear.

NM_000135.4(FANCA):c.1571C>A (p.Ser524Tyr)

Gene: FANCA (FA complementation group A; minus strand). Cytogenetic location: 16q24.3.
Variant type: single nucleotide variant.
Coding change: c.1571C>A on transcript NM_000135.4 (MANE Select); coding-DNA position 1571, C replaced by A.
Protein change: p.Ser524Tyr; replaces serine 524 with tyrosine.
Molecular consequence: missense variant.
Genome position (GRCh38, 1-based): chr16:89,782,914, G>T on the plus strand (C>A on the coding strand, the complement: FANCA is on the minus strand). VCF-style: chr16-89782914-G-T. GRCh37 (hg19) VCF-style: chr16-89849322-G-T.
Other names: c.1571C>A, p.Ser524Tyr (NM_001286167.3); short protein forms S524Y.
Identifiers: ClinVar variation 3848261 (VCV003848261.1).